The following is an entry in ClinVar:

ClinVar aggregate classification (germline): Uncertain significance. Review status: criteria provided, multiple submitters, no conflicts (2 of 4 stars). 2 submissions from 2 submitters: Uncertain significance (2). Last evaluated 2025-10-03.

gnomAD v4.1: 8 of 1,614,212 alleles (0.0005%); highest among the groups gnomAD compares: Non-Finnish European, 0.00068%; no homozygotes.

Submissions (2):

Labcorp Genetics (formerly Invitae), Labcorp
Classification: Uncertain significance. Last evaluated: 2025-10-03. Review status: criteria provided, single submitter. Criteria: Invitae Variant Classification Sherloc (09022015). Collection method: clinical testing. Allele origin: germline.
Comment: This sequence change replaces arginine, which is basic and polar, with leucine, which is neutral and non-polar, at codon 80 of the RGR protein (p.Arg80Leu). This variant is not present in population databases (gnomAD no frequency). This variant has not been reported in the literature in individuals affected with RGR-related conditions. Experimental studies and prediction algorithms are not available or were not evaluated, and the functional significance of this variant is currently unknown. In summary, the available evidence is currently insufficient to determine the role of this variant in disease. Therefore, it has been classified as a Variant of Uncertain Significance.

Ambry Genetics
Classification: Uncertain significance. Last evaluated: 2025-08-01. Review status: criteria provided, single submitter. Criteria: Ambry Variant Classification Scheme 2023. Collection method: clinical testing. Allele origin: germline.

NM_001012720.2(RGR):c.239G>T (p.Arg80Leu)

Gene: RGR (retinal G protein coupled receptor; plus strand). Cytogenetic location: 10q23.1.
Variant type: single nucleotide variant.
Coding change: c.239G>T on transcript NM_001012720.2 (MANE Select); coding-DNA position 239, G replaced by T.
Protein change: p.Arg80Leu; replaces arginine 80 with leucine.
Molecular consequence: missense variant.
Genome position (GRCh38, 1-based): chr10:84,248,924, G>T. VCF-style: chr10-84248924-G-T. GRCh37 (hg19) VCF-style: chr10-86008680-G-T.
Other names: c.239G>T, p.Arg80Leu (NM_001012722.2); c.251G>T, p.Arg84Leu (NM_002921.4); short protein forms R84L, R80L.
Identifiers: ClinVar variation 4153589 (VCV004153589.2).